The following is an entry in ClinVar:

ClinVar aggregate classification (germline): Benign/Likely benign. Review status: criteria provided, multiple submitters, no conflicts (2 of 4 stars). 3 submissions from 3 submitters: Benign (1); Likely benign (2). Last evaluated 2026-01-25.

Conditions:
UMOD-related disorder. Also called: UMOD-related condition.

Allele frequency attached by ClinVar (database versions not stated): gnomAD exomes 0.00010 and 0.00023; ExAC 0.00066; ESP Exome Variant Server 0.00093; gnomAD 0.00125 and 0.00134; TOPMed 0.00138; 1000 Genomes Project 0.00140; 1000 Genomes Project 30x 0.00172.
gnomAD v4.1: 330 of 1,573,820 alleles (0.021%); highest among the groups gnomAD compares: African/African-American, 0.42%; 1 homozygote.

Submissions (3):

Labcorp Genetics (formerly Invitae), Labcorp
Classification: Benign. Last evaluated: 2026-01-25. Review status: criteria provided, single submitter. Criteria: Invitae Variant Classification Sherloc (09022015). Collection method: clinical testing. Allele origin: germline.

PreventionGenetics, part of Exact Sciences
Classification: Likely benign for UMOD-related condition. Last evaluated: 2025-01-29. Review status: criteria provided, single submitter. Criteria: ACMG Guidelines, 2015. Collection method: clinical testing. Allele origin: germline.
Comment: This variant is classified as likely benign based on ACMG/AMP sequence variant interpretation guidelines (Richards et al. 2015 PMID: 25741868, with internal and published modifications).

Blueprint Genetics
Classification: Likely benign. Last evaluated: 2024-09-04. Review status: criteria provided, single submitter. Criteria: ACMG Guidelines, 2015. Collection method: clinical testing. Allele origin: germline.

NM_003361.4(UMOD):c.333G>A (p.Glu111=)

Gene: UMOD (uromodulin; minus strand). Cytogenetic location: 16p12.3.
Variant type: single nucleotide variant.
Coding change: c.333G>A on transcript NM_003361.4 (MANE Select); coding-DNA position 333, G replaced by A.
Protein change: p.Glu111=; no amino-acid change (glutamic acid 111 retained).
Molecular consequence: synonymous variant. On other transcripts: non-coding transcript variant (1).
Genome position (GRCh38, 1-based): chr16:20,348,968, C>T on the plus strand (G>A on the coding strand, the complement: UMOD is on the minus strand). VCF-style: chr16-20348968-C-T. GRCh37 (hg19) VCF-style: chr16-20360290-C-T.
Other names: c.333G>A, p.Glu111= (NM_001008389.3, NM_001378232.1, NM_001378233.1 and 3 more transcripts); c.432G>A, p.Glu144= (NM_001278614.2).
Identifiers: ClinVar variation 708591 (VCV000708591.12), dbSNP rs143965681, ClinGen allele CA7939459.